The following is an entry in ClinVar:

ClinVar aggregate classification (germline): Likely benign (0 of 4 stars; one submission).

Conditions:
TASP1-related disorder. Also called: TASP1-related condition.

Allele frequency attached by ClinVar (database versions not stated): gnomAD exomes 0.00013; ExAC 0.00021; gnomAD 0.00034; ESP Exome Variant Server 0.00038; TOPMed 0.00040; 1000 Genomes Project 30x 0.00094; 1000 Genomes Project 0.00100.
gnomAD v4.1: 259 of 1,613,746 alleles (0.016%); highest among the groups gnomAD compares: East Asian, 0.14%; 1 homozygote.

Submission:

PreventionGenetics, part of Exact Sciences
Classification: Likely benign for TASP1-related condition. Last evaluated: 2022-02-15. Review status: no assertion criteria provided. Collection method: clinical testing. Allele origin: germline.
Comment: This variant is classified as likely benign based on ACMG/AMP sequence variant interpretation guidelines (Richards et al. 2015 PMID: 25741868, with internal and published modifications).

NM_017714.3(TASP1):c.62C>T (p.Ser21Leu)

Gene: TASP1 (taspase 1; minus strand). Cytogenetic location: 20p12.1.
Variant type: single nucleotide variant.
Coding change: c.62C>T on transcript NM_017714.3 (MANE Select); coding-DNA position 62, C replaced by T.
Protein change: p.Ser21Leu; replaces serine 21 with leucine.
Molecular consequence: missense variant. On other transcripts: 5 prime UTR variant (2), non-coding transcript variant (4).
Genome position (GRCh38, 1-based): chr20:13,630,017, G>A on the plus strand (C>T on the coding strand, the complement: TASP1 is on the minus strand). VCF-style: chr20-13630017-G-A. GRCh37 (hg19) VCF-style: chr20-13610664-G-A.
Other names: c.62C>T, p.Ser21Leu (NM_001323602.2); c.-512C>T (NM_001323603.2); c.-320C>T (NM_001323604.2); short protein forms S21L.
Identifiers: ClinVar variation 3034461 (VCV003034461.2), dbSNP rs148869724, ClinGen allele CA9766847.